The following is an entry in ClinVar:

NM_018131.5(CEP55):c.1133A>T (p.His378Leu)

Gene: CEP55 (centrosomal protein 55; plus strand). Cytogenetic location: 10q23.33.
Variant type: single nucleotide variant.
Coding change: c.1133A>T on transcript NM_018131.5 (MANE Select); coding-DNA position 1133, A replaced by T.
Protein change: p.His378Leu; replaces histidine 378 with leucine.
Molecular consequence: missense variant.
Genome position (GRCh38, 1-based): chr10:93,519,749, A>T. VCF-style: chr10-93519749-A-T. GRCh37 (hg19) VCF-style: chr10-95279506-A-T.
Other names: c.1133A>T (NM_001127182.1); c.1133A>T, p.His378Leu (NM_001127182.2); short protein forms H378L.
Identifiers: ClinVar variation 1209684 (VCV001209684.15), dbSNP rs2293277, ClinGen allele CA5609109.

ClinVar aggregate classification (germline): Benign/Likely benign. Review status: criteria provided, multiple submitters, no conflicts (2 of 4 stars). 5 submissions from 5 submitters: Benign (3); Likely benign (1). 1 of the submissions does not count toward it. Last evaluated 2026-02-01.

Conditions:
CEP55-related disorder. Also called: CEP55-related condition.
Multinucleated neurons-anhydramnios-renal dysplasia-cerebellar hypoplasia-hydranencephaly syndrome. Also called: Hydranencephaly with renal aplasia-dysplasia. Identifiers: Orphanet 500135, MedGen C1856053, MONDO:0009359, OMIM 236500.

Allele frequency attached by ClinVar (database versions not stated): 1000 Genomes Project 0.55970; 1000 Genomes Project 30x 0.56027; ESP Exome Variant Server 0.61026; TOPMed 0.61048; gnomAD 0.62798 and 0.63172; ExAC 0.70332; gnomAD exomes 0.71439.

Submissions (5):

Labcorp Genetics (formerly Invitae), Labcorp
Classification: Benign. Last evaluated: 2026-02-01. Review status: criteria provided, single submitter. Criteria: Invitae Variant Classification Sherloc (09022015). Collection method: clinical testing. Allele origin: germline.

Blueprint Genetics
Classification: Likely benign. Last evaluated: 2024-11-27. Review status: criteria provided, single submitter. Criteria: ACMG Guidelines, 2015. Collection method: clinical testing. Allele origin: germline.

Genome-Nilou Lab
Classification: Benign for Multinucleated neurons-anhydramnios-renal dysplasia-cerebellar hypoplasia-hydranencephaly syndrome. Last evaluated: 2021-07-22. Review status: criteria provided, single submitter. Criteria: ACMG Guidelines, 2015. Collection method: clinical testing. Allele origin: germline. Affected: no.

Breakthrough Genomics
Classification: Benign. Review status: criteria provided, single submitter. Criteria: ACMG Guidelines, 2015. Collection method: not provided. Allele origin: germline. Inheritance: Autosomal recessive inheritance. Affected: yes.

PreventionGenetics, part of Exact Sciences
Classification: Benign for CEP55-related condition. Last evaluated: 2019-10-16. Review status: no assertion criteria provided. Collection method: clinical testing. Allele origin: germline. Not counted in ClinVar's aggregate classification.
Comment: This variant is classified as benign based on ACMG/AMP sequence variant interpretation guidelines (Richards et al. 2015 PMID: 25741868, with internal and published modifications).